The following is an entry in ClinVar:

ClinVar aggregate classification (germline): Uncertain significance. Review status: criteria provided, multiple submitters, no conflicts (2 of 4 stars). 2 submissions from 2 submitters: Uncertain significance (2). Last evaluated 2025-10-21.

Allele frequency attached by ClinVar (database versions not stated): gnomAD exomes 0.00001 and below 0.00001; ExAC 0.00001; TOPMed 0.00001.

Submissions (2):

Ambry Genetics
Classification: Uncertain significance. Last evaluated: 2025-10-21. Review status: criteria provided, single submitter. Criteria: Ambry Variant Classification Scheme 2023. Collection method: clinical testing. Allele origin: germline.

Centre for Mendelian Genomics, University Medical Centre Ljubljana
Classification: Uncertain significance. Last evaluated: 2020-01-07. Review status: criteria provided, single submitter. Criteria: ACMG Guidelines, 2015. Collection method: clinical testing. Allele origin: unknown. Affected: yes.
Comment: This variant was classified as: Uncertain significance. The available evidence on this variant's pathogenicity is insufficient or conflicting. The following ACMG criteria were applied in classifying this variant: PP3.

NM_013355.5(PKN3):c.1363G>T (p.Gly455Trp)

Gene: PKN3 (protein kinase N3; plus strand). Cytogenetic location: 9q34.11.
Variant type: single nucleotide variant.
Coding change: c.1363G>T on transcript NM_013355.5 (MANE Select); coding-DNA position 1363, G replaced by T.
Protein change: p.Gly455Trp; replaces glycine 455 with tryptophan.
Molecular consequence: missense variant.
Genome position (GRCh38, 1-based): chr9:128,714,247, G>T. VCF-style: chr9-128714247-G-T. GRCh37 (hg19) VCF-style: chr9-131476526-G-T.
Other names: c.1363G>T, p.Gly455Trp (NM_001317926.2); short protein forms G455W.
Identifiers: ClinVar variation 930657 (VCV000930657.4), dbSNP rs766188402, ClinGen allele CA5267622.